The following is an entry in ClinVar:

NM_001401501.2(MUC16):c.11121C>T (p.Asp3707=)

Gene: MUC16 (mucin 16, cell surface associated; minus strand). Cytogenetic location: 19p13.2.
Variant type: single nucleotide variant.
Coding change: c.11121C>T on transcript NM_001401501.2 (MANE Select); coding-DNA position 11121, C replaced by T.
Protein change: p.Asp3707=; no amino-acid change (aspartic acid 3707 retained).
Molecular consequence: synonymous variant.
Genome position (GRCh38, 1-based): chr19:8,965,769, G>A on the plus strand (C>T on the coding strand, the complement: MUC16 is on the minus strand). VCF-style: chr19-8965769-G-A. GRCh37 (hg19) VCF-style: chr19-9076445-G-A.
Other names: c.11547C>T, p.Asp3849= (NM_001414686.1); c.11001C>T, p.Asp3667= (NM_001414687.1, NM_024690.2).
Identifiers: ClinVar variation 2649260 (VCV002649260.24), dbSNP rs779485541, ClinGen allele CA9171347.

ClinVar aggregate classification (germline): Likely benign (1 of 4 stars; one submission).

Allele frequency attached by ClinVar (database versions not stated): gnomAD exomes below 0.00001; TOPMed below 0.00001; ExAC 0.00001; gnomAD 0.00001.

Submission:

CeGaT Center for Human Genetics Tuebingen
Classification: Likely benign. Last evaluated: 2022-04-01. Review status: criteria provided, single submitter. Criteria: CeGaT Center For Human Genetics Tuebingen Variant Classification Criteria Version 2. Collection method: clinical testing. Allele origin: germline. Affected: yes. Observed: 1 variant allele.
Comment: MUC16: BP4, BP7